The following is an entry in ClinVar:

ClinVar aggregate classification (germline): Uncertain significance. Review status: criteria provided, multiple submitters, no conflicts (2 of 4 stars). 2 submissions from 2 submitters: Uncertain significance (2). Last evaluated 2024-07-25.

Conditions:
Combined immunodeficiency due to OX40 deficiency. Also called: Immunodeficiency 16; OX40 DEFICIENCY. Identifiers: Orphanet 431149, MedGen C3810053, MONDO:0014268, OMIM 615593.

Allele frequency attached by ClinVar (database versions not stated): gnomAD exomes below 0.00001 and 0.00001; TOPMed below 0.00001; gnomAD 0.00001; ExAC 0.00005.
gnomAD v4.1: 7 of 1,593,326 alleles (0.00044%); highest among the groups gnomAD compares: South Asian, 0.0057%; no homozygotes.

Submissions (2):

Labcorp Genetics (formerly Invitae), Labcorp
Classification: Uncertain significance for Combined immunodeficiency due to OX40 deficiency. Last evaluated: 2024-07-25. Review status: criteria provided, single submitter. Criteria: Invitae Variant Classification Sherloc (09022015). Collection method: clinical testing. Allele origin: germline.
Comment: This sequence change replaces threonine, which is neutral and polar, with alanine, which is neutral and non-polar, at codon 85 of the TNFRSF4 protein (p.Thr85Ala). The frequency data for this variant in the population databases is considered unreliable, as metrics indicate poor data quality at this position in the gnomAD database. This variant has not been reported in the literature in individuals affected with TNFRSF4-related conditions. ClinVar contains an entry for this variant (Variation ID: 1386340). Advanced modeling of protein sequence and biophysical properties (such as structural, functional, and spatial information, amino acid conservation, physicochemical variation, residue mobility, and thermodynamic stability) has been performed at Invitae for this missense variant, however the output from this modeling did not meet the statistical confidence thresholds required to predict the impact of this variant on TNFRSF4 protein function. In summary, the available evidence is currently insufficient to determine the role of this variant in disease. Therefore, it has been classified as a Variant of Uncertain Significance.

Ambry Genetics
Classification: Uncertain significance. Last evaluated: 2023-08-04. Review status: criteria provided, single submitter. Criteria: Ambry Variant Classification Scheme 2023. Collection method: clinical testing. Allele origin: germline.

NM_003327.4(TNFRSF4):c.253A>G (p.Thr85Ala)

Gene: TNFRSF4 (TNF receptor superfamily member 4; minus strand). Cytogenetic location: 1p36.33.
Variant type: single nucleotide variant.
Coding change: c.253A>G on transcript NM_003327.4 (MANE Select); coding-DNA position 253, A replaced by G.
Protein change: p.Thr85Ala; replaces threonine 85 with alanine.
Molecular consequence: missense variant.
Genome position (GRCh38, 1-based): chr1:1,213,678, T>C on the plus strand (A>G on the coding strand, the complement: TNFRSF4 is on the minus strand). VCF-style: chr1-1213678-T-C. GRCh37 (hg19) VCF-style: chr1-1149058-T-C.
Other names: c.253A>G (NM_003327.3); short protein forms T85A.
Identifiers: ClinVar variation 1386340 (VCV001386340.9), dbSNP rs367654407, ClinGen allele CA512608.
Genomic context (GRCh38, chr1:1,213,678, plus strand): 5'-CGCCCCCTGTGCTGGGTGGGGCTGTGGGGCCAGGTGGGAGCTCACTGAGGTTACACCACG[T>C]GCAGGGCTTGCACGGCTTGGAGCTGACCACGTCGTTGTAGAAGCCCGGCCCGCACGGACG-3'
Protein context (NP_003318.1, residues 75-95): VVSSKPCKPC[Thr85Ala]WCNLRSGSER